The following is an entry in ClinVar:

ClinVar aggregate classification (germline): Uncertain significance (1 of 4 stars; one submission).

Conditions:
Hereditary diffuse gastric adenocarcinoma (HDGC). Also called: DIFFUSE GASTRIC AND LOBULAR BREAST CANCER SYNDROME. Identifiers: Orphanet 26106, MedGen C1708349, MONDO:0007648, OMIM 137215.

Submission:

Labcorp Genetics (formerly Invitae), Labcorp
Classification: Uncertain significance for Hereditary diffuse gastric adenocarcinoma. Last evaluated: 2018-07-01. Review status: criteria provided, single submitter. Criteria: Invitae Variant Classification Sherloc (09022015). Collection method: clinical testing. Allele origin: germline.
Comment: This variant has not been reported in the literature in individuals with CDH1-related disease. In summary, the available evidence is currently insufficient to determine the role of this variant in disease. Therefore, it has been classified as a Variant of Uncertain Significance. Algorithms developed to predict the effect of missense changes on protein structure and function (SIFT, PolyPhen-2, Align-GVGD) all suggest that this variant is likely to be tolerated, but these predictions have not been confirmed by published functional studies and their clinical significance is uncertain. This variant is not present in population databases (ExAC no frequency). This sequence change replaces valine with glycine at codon 119 of the CDH1 protein (p.Val119Gly). The valine residue is weakly conserved and there is a moderate physicochemical difference between valine and glycine.

NM_004360.5(CDH1):c.356T>G (p.Val119Gly)

Gene: CDH1 (cadherin 1; plus strand). Cytogenetic location: 16q22.1.
Variant type: single nucleotide variant.
Coding change: c.356T>G on transcript NM_004360.5 (MANE Select); coding-DNA position 356, T replaced by G.
Protein change: p.Val119Gly; replaces valine 119 with glycine.
Molecular consequence: missense variant. On other transcripts: 5 prime UTR variant (2).
Genome position (GRCh38, 1-based): chr16:68,801,862, T>G. VCF-style: chr16-68801862-T-G. GRCh37 (hg19) VCF-style: chr16-68835765-T-G.
Other names: c.356T>G (LRG_301t1); c.356T>G, p.Val119Gly (NM_001317184.2); c.-1260T>G (NM_001317185.2); c.-1464T>G (NM_001317186.2); short protein forms V119G.
Identifiers: ClinVar variation 660976 (VCV000660976.9), dbSNP rs1597884955, ClinGen allele CA396457454.